The following is an entry in ClinVar:

ClinVar aggregate classification (germline): Uncertain significance (1 of 4 stars; one submission).

Conditions:
Charcot-Marie-Tooth disease type 2. Also called: Charcot-Marie-Tooth type 2. Identifiers: Orphanet 64746, MedGen C0270914, MONDO:0018993.

Allele frequency attached by ClinVar (database versions not stated): TOPMed 0.00001; gnomAD exomes below 0.00001.
gnomAD v4.1: 4 of 1,612,934 alleles (0.00025%); highest among the groups gnomAD compares: Admixed American, 0.0033%; no homozygotes.

Submission:

Labcorp Genetics (formerly Invitae), Labcorp
Classification: Uncertain significance for Charcot-Marie-Tooth disease type 2. Last evaluated: 2021-11-05. Review status: criteria provided, single submitter. Criteria: Invitae Variant Classification Sherloc (09022015). Collection method: clinical testing. Allele origin: germline.
Comment: This sequence change replaces alanine, which is neutral and non-polar, with glycine, which is neutral and non-polar, at codon 87 of the BSCL2 protein (p.Ala87Gly). This variant is not present in population databases (gnomAD no frequency). This variant has not been reported in the literature in individuals affected with BSCL2-related conditions. Algorithms developed to predict the effect of missense changes on protein structure and function are either unavailable or do not agree on the potential impact of this missense change (SIFT: "Deleterious"; PolyPhen-2: "Probably Damaging"; Align-GVGD: "Class C0"). In summary, the available evidence is currently insufficient to determine the role of this variant in disease. Therefore, it has been classified as a Variant of Uncertain Significance.

NM_001122955.4(BSCL2):c.452C>G (p.Ala151Gly)

Genes: BSCL2 (BSCL2 lipid droplet biogenesis associated, seipin; minus strand), HNRNPUL2-BSCL2 (HNRNPUL2-BSCL2 readthrough (NMD candidate); minus strand). Cytogenetic location: 11q12.3.
Variant type: single nucleotide variant.
Coding change: c.452C>G on transcript NM_001122955.4 (MANE Select); coding-DNA position 452, C replaced by G.
Protein change: p.Ala151Gly; replaces alanine 151 with glycine.
Molecular consequence: missense variant. On other transcripts: non-coding transcript variant (1).
Genome position (GRCh38, 1-based): chr11:62,702,502, G>C on the plus strand (C>G on the coding strand, the complement: BSCL2 is on the minus strand). VCF-style: chr11-62702502-G-C. GRCh37 (hg19) VCF-style: chr11-62469974-G-C.
Other names: c.260C>G, p.Ala87Gly (NM_001130702.2, NM_032667.6); c.452C>G, p.Ala151Gly (NM_001386027.1, NM_001386028.1); short protein forms A87G, A151G.
Identifiers: ClinVar variation 1422253 (VCV001422253.6), dbSNP rs1003234218, ClinGen allele CA380968431.